The following is an entry in ClinVar:

ClinVar aggregate classification (germline): Pathogenic/Likely pathogenic. Review status: criteria provided, multiple submitters, no conflicts (2 of 4 stars). 5 submissions from 5 submitters: Pathogenic (1); Likely pathogenic (4). Last evaluated 2025-12-23.

Conditions:
Glutaric acidemia type 2C.
Multiple acyl-CoA dehydrogenase deficiency (MADD). Also called: Glutaric aciduria, type 2; Glutaric Acidemia type 2; Glutaric acidemia type II; GA 2; ETHYLMALONIC-ADIPICACIDURIA; GA II. Identifiers: Orphanet 26791, MedGen C0268596, MONDO:0009282, OMIM 231680.

Allele frequency attached by ClinVar (database versions not stated): ExAC 0.00002; gnomAD exomes 0.00002; gnomAD 0.00004; TOPMed 0.00006.

Submissions (5):

Natera, Inc.
Classification: Likely pathogenic for Glutaric acidemia type 2C. Last evaluated: 2025-12-23. Review status: criteria provided, single submitter. Criteria: Natera Variant Classification Schema (03/2026). Collection method: clinical testing. Allele origin: germline.
Comment: The c.523C>T variant in ETFDH is a missense variant predicted to cause substitution of arginine to cysteine at amino acid 175. This variant is rare in the general population with a frequency below the threshold expected for the associated phenotype(s). This variant has been observed in one or more individuals affected with the associated recessive disease, as either homozygous or compound heterozygous with a second variant (PMID: 35309592). A different variant at the same position has been determined to be Pathogenic or Likely Pathogenic. Computational prediction algorithms indicate this variant is likely to affect gene or protein function. Given the available evidence, this variant is classified as Likely Pathogenic.

Labcorp Genetics (formerly Invitae), Labcorp
Classification: Pathogenic for Multiple acyl-CoA dehydrogenase deficiency. Last evaluated: 2025-10-11. Review status: criteria provided, single submitter. Criteria: Invitae Variant Classification Sherloc (09022015). Collection method: clinical testing. Allele origin: germline.
Comment: This sequence change replaces arginine, which is basic and polar, with cysteine, which is neutral and slightly polar, at codon 175 of the ETFDH protein (p.Arg175Cys). This variant is present in population databases (rs762928354, gnomAD 0.01%). This missense change has been observed in individual(s) with clinical features of multiple Acyl-CoA dehydrogenase deficiency (PMID: 30626930, 35309592; internal data). In at least one individual the data is consistent with being in trans (on the opposite chromosome) from a pathogenic variant. ClinVar contains an entry for this variant (Variation ID: 418182). Invitae Evidence Modeling of protein sequence and biophysical properties (such as structural, functional, and spatial information, amino acid conservation, physicochemical variation, residue mobility, and thermodynamic stability) indicates that this missense variant is expected to disrupt ETFDH protein function with a positive predictive value of 80%. Algorithms developed to predict the effect of sequence changes on RNA splicing suggest that this variant may disrupt the consensus splice site. This variant disrupts the p.Arg175 amino acid residue in ETFDH. Other variant(s) that disrupt this residue have been determined to be pathogenic (PMID: 18289905, 19249206, 21347544, 29988809). This suggests that this residue is clinically significant, and that variants that disrupt this residue are likely to be disease-causing. For these reasons, this variant has been classified as Pathogenic.

Mayo Clinic Laboratories, Mayo Clinic
Classification: Likely pathogenic. Last evaluated: 2025-09-19. Review status: criteria provided, single submitter. Criteria: ACMG Guidelines, 2015. Collection method: clinical testing. Allele origin: germline. Observed: 1 variant allele.
Comment: PP3_moderate, PP4, PM2_supporting, PM3_supporting, PM5

GeneDx
Classification: Likely pathogenic. Last evaluated: 2024-06-24. Review status: criteria provided, single submitter. Criteria: GeneDx Variant Classification Process June 2021. Collection method: clinical testing. Allele origin: germline. Affected: yes.
Comment: Not observed at significant frequency in large population cohorts (gnomAD); In silico analysis supports that this missense variant has a deleterious effect on protein structure/function; This variant is associated with the following publications: (PMID: 31589614, 30626930, 37845732, 35309592, 34440319)

Baylor Genetics
Classification: Likely pathogenic for Multiple acyl-CoA dehydrogenase deficiency. Last evaluated: 2023-11-27. Review status: criteria provided, single submitter. Criteria: ACMG Guidelines, 2015. Collection method: clinical testing. Allele origin: unknown.

Literature cited by the submitters: PubMed 35309592 (cited by 3 submitters); PubMed 30626930 (cited by Labcorp Genetics (formerly Invitae), Labcorp and Mayo Clinic Laboratories, Mayo Clinic); PubMed 18289905 (cited by Labcorp Genetics (formerly Invitae), Labcorp); PubMed 19249206 (cited by Labcorp Genetics (formerly Invitae), Labcorp); PubMed 21347544 (cited by Labcorp Genetics (formerly Invitae), Labcorp); PubMed 29988809 (cited by Labcorp Genetics (formerly Invitae), Labcorp).

NM_004453.4(ETFDH):c.523C>T (p.Arg175Cys)

Gene: ETFDH (electron transfer flavoprotein dehydrogenase; plus strand). Cytogenetic location: 4q32.1.
Variant type: single nucleotide variant.
Coding change: c.523C>T on transcript NM_004453.4 (MANE Select); coding-DNA position 523, C replaced by T.
Protein change: p.Arg175Cys; replaces arginine 175 with cysteine.
Molecular consequence: missense variant.
Genome position (GRCh38, 1-based): chr4:158,685,136, C>T. VCF-style: chr4-158685136-C-T. GRCh37 (hg19) VCF-style: chr4-159606288-C-T.
Other names: p.Arg175Cys; c.382C>T, p.Arg128Cys (NM_001281737.2); c.340C>T, p.Arg114Cys (NM_001281738.1); c.523C>T (NM_004453.3); short protein forms R175C, R114C, R128C.
Identifiers: ClinVar variation 418182 (VCV000418182.10), dbSNP rs762928354, ClinGen allele CA3122387.